The following is an entry in ClinVar:

NM_004415.4(DSP):c.3099G>T (p.Lys1033Asn)

Gene: DSP (desmoplakin; plus strand). Cytogenetic location: 6p24.3.
Variant type: single nucleotide variant.
Coding change: c.3099G>T on transcript NM_004415.4 (MANE Select); coding-DNA position 3099, G replaced by T.
Protein change: p.Lys1033Asn; replaces lysine 1033 with asparagine.
Molecular consequence: missense variant.
Genome position (GRCh38, 1-based): chr6:7,579,289, G>T. VCF-style: chr6-7579289-G-T. GRCh37 (hg19) VCF-style: chr6-7579522-G-T.
Other names: c.3099G>T, p.Lys1033Asn (NM_001008844.3, NM_001319034.2); short protein forms K1033N.
Identifiers: ClinVar variation 920504 (VCV000920504.4), dbSNP rs1581814913, ClinGen allele CA362682941.

ClinVar aggregate classification (germline): Uncertain significance (1 of 4 stars; one submission).

Conditions:
Cardiomyopathy (CMYO). Also called: Cardiomyopathies. Identifiers: Orphanet 167848, MedGen C0878544, MONDO:0004994, HP:0001638. Inheritance: Various modes of inheritance.

Submission:

Color Diagnostics, LLC DBA Color Health
Classification: Uncertain significance for Cardiomyopathy. Last evaluated: 2024-03-06. Review status: criteria provided, single submitter. Criteria: ACMG Guidelines, 2015. Collection method: clinical testing. Allele origin: germline.
Comment: This missense variant replaces lysine with asparagine at codon 1033 of the DSP protein. Computational prediction suggests that this variant may not impact protein structure and function (internally defined REVEL score threshold <= 0.5, PMID: 27666373). Splice site prediction tools suggest that this variant may not impact RNA splicing. To our knowledge, functional studies have not been performed for this variant. This variant has not been reported in individuals affected with cardiovascular disorders in the literature. This variant has not been identified in the general population by the Genome Aggregation Database (gnomAD). The available evidence is insufficient to determine the role of this variant in disease conclusively. Therefore, this variant is classified as a Variant of Uncertain Significance.